The following is an entry in ClinVar:

ClinVar aggregate classification (germline): Uncertain significance (1 of 4 stars; one submission).

Conditions:
Glycogen storage disease type III (GSD3). Also called: FORBES DISEASE; Cori disease. Identifiers: Orphanet 366, MedGen C0017922, MONDO:0009291, OMIM 232400.

Allele frequency attached by ClinVar (database versions not stated): gnomAD exomes 0.00001; TOPMed 0.00001; ExAC 0.00002.
gnomAD v4.1: 2 of 1,614,052 alleles (0.00012%); highest among the groups gnomAD compares: Non-Finnish European, 0.00017%; no homozygotes.

Submission:

Labcorp Genetics (formerly Invitae), Labcorp
Classification: Uncertain significance for Glycogen storage disease type III. Last evaluated: 2021-08-28. Review status: criteria provided, single submitter. Criteria: Invitae Variant Classification Sherloc (09022015). Collection method: clinical testing. Allele origin: germline.
Comment: This sequence change replaces glycine with aspartic acid at codon 716 of the AGL protein (p.Gly716Asp). The glycine residue is weakly conserved and there is a moderate physicochemical difference between glycine and aspartic acid. This variant is present in population databases (rs751975324, ExAC 0.003%). This variant has not been reported in the literature in individuals affected with AGL-related conditions. Algorithms developed to predict the effect of missense changes on protein structure and function are either unavailable or do not agree on the potential impact of this missense change (SIFT: "Tolerated"; PolyPhen-2: "Possibly Damaging"; Align-GVGD: "Class C0"). In summary, the available evidence is currently insufficient to determine the role of this variant in disease. Therefore, it has been classified as a Variant of Uncertain Significance.

NM_000642.3(AGL):c.2147G>A (p.Gly716Asp)

Gene: AGL (amylo-alpha-1,6-glucosidase and 4-alpha-glucanotransferase; plus strand). Cytogenetic location: 1p21.2.
Variant type: single nucleotide variant.
Coding change: c.2147G>A on transcript NM_000642.3 (MANE Select); coding-DNA position 2147, G replaced by A.
Protein change: p.Gly716Asp; replaces glycine 716 with aspartic acid.
Molecular consequence: missense variant.
Genome position (GRCh38, 1-based): chr1:99,881,437, G>A. VCF-style: chr1-99881437-G-A. GRCh37 (hg19) VCF-style: chr1-100346993-G-A.
Other names: c.2147G>A, p.Gly716Asp (NM_000028.3, NM_000643.3, NM_000644.3 and 2 more transcripts); c.2099G>A, p.Gly700Asp (NM_000646.3); c.1946G>A, p.Gly649Asp (NM_001425327.1); c.1943G>A, p.Gly648Asp (NM_001425328.1, NM_001425329.1); c.1769G>A, p.Gly590Asp (NM_001425332.1); short protein forms G700D, G716D, G590D, G648D, G649D.
Identifiers: ClinVar variation 1446957 (VCV001446957.5), dbSNP rs751975324, ClinGen allele CA966698.